The following is an entry in ClinVar:

ClinVar aggregate classification (germline): Uncertain significance. Review status: criteria provided, multiple submitters, no conflicts (2 of 4 stars). 4 submissions from 4 submitters: Uncertain significance (4). Last evaluated 2026-04-24.

Conditions:
Inborn genetic diseases. Identifiers: MedGen C0950123, MeSH D030342.
D-2-hydroxyglutaric aciduria 2 (D2HGA2). Identifiers: Orphanet 79315, MedGen C3150909, MONDO:0013345, OMIM 613657.

Allele frequency attached by ClinVar (database versions not stated): gnomAD exomes 0.00006.
gnomAD v4.1: 244 of 1,364,290 alleles (0.018%); highest among the groups gnomAD compares: Non-Finnish European, 0.022%; no homozygotes.

Submissions (4):

Clinical Genomics Laboratory, Washington University in St. Louis
Classification: Uncertain significance for D-2-hydroxyglutaric aciduria 2. Last evaluated: 2026-04-24. Review status: criteria provided, single submitter. Criteria: ACMG Guidelines, 2015. Collection method: clinical testing. Allele origin: germline.
Comment: An IDH2 c.62G>C (p.Trp21Ser) variant was identified at a near heterozygous allelic fraction of 49.8%, a frequency which may be consistent with it being of germline origin. This variant, to our knowledge, has not been reported in the medical literature. It has been reported in the ClinVar database as a germline variant of uncertain significance by three submitters (Variation ID: 1336360). It is observed on 244/1,364,290 alleles in the general population (gnomAD v4.1.1). Computational predictors suggest that the variant does not impact IDH2 function. Due to limited information, and based on ACMG/AMP guidelines for variant interpretation (Richards S et al., PMID: 25741868), the clinical significance of this variant is uncertain at this time.

Labcorp Genetics (formerly Invitae), Labcorp
Classification: Uncertain significance for D-2-hydroxyglutaric aciduria 2. Last evaluated: 2024-11-04. Review status: criteria provided, single submitter. Criteria: Invitae Variant Classification Sherloc (09022015). Collection method: clinical testing. Allele origin: germline.
Comment: This sequence change replaces tryptophan, which is neutral and slightly polar, with serine, which is neutral and polar, at codon 21 of the IDH2 protein (p.Trp21Ser). This variant is present in population databases (rs776341694, gnomAD 0.01%). This variant has not been reported in the literature in individuals affected with IDH2-related conditions. ClinVar contains an entry for this variant (Variation ID: 1336360). An algorithm developed to predict the effect of missense changes on protein structure and function (PolyPhen-2) suggests that this variant is likely to be tolerated. In summary, the available evidence is currently insufficient to determine the role of this variant in disease. Therefore, it has been classified as a Variant of Uncertain Significance.

Ambry Genetics
Classification: Uncertain significance for Inborn genetic diseases. Last evaluated: 2024-08-05. Review status: criteria provided, single submitter. Criteria: Ambry Variant Classification Scheme 2023. Collection method: clinical testing. Allele origin: germline.

Genetic Services Laboratory, University of Chicago
Classification: Uncertain significance. Last evaluated: 2018-03-06. Review status: criteria provided, single submitter. Criteria: ACMG Guidelines, 2015. Collection method: clinical testing. Allele origin: germline. Affected: no.

NM_002168.4(IDH2):c.62G>C (p.Trp21Ser)

Genes: IDH2 (isocitrate dehydrogenase (NADP(+)) 2; minus strand), IDH2-DT (IDH2 divergent transcript; plus strand). Cytogenetic location: 15q26.1.
Variant type: single nucleotide variant.
Coding change: c.62G>C on transcript NM_002168.4 (MANE Select); coding-DNA position 62, G replaced by C.
Protein change: p.Trp21Ser; replaces tryptophan 21 with serine.
Molecular consequence: missense variant. On other transcripts: non-coding transcript variant (1), 5 prime UTR variant (1).
Genome position (GRCh38, 1-based): chr15:90,102,329, C>G on the plus strand (G>C on the coding strand, the complement: IDH2 is on the minus strand). VCF-style: chr15-90102329-C-G. GRCh37 (hg19) VCF-style: chr15-90645561-C-G.
Other names: c.-71G>C (NM_001290114.2); c.62G>C (NM_002168.2); short protein forms W21S.
Identifiers: ClinVar variation 1336360 (VCV001336360.9), dbSNP rs776341694, ClinGen allele CA7733291.